The following is an entry in ClinVar:

NM_000228.3(LAMB3):c.328del (p.Leu110fs)

Gene: LAMB3 (laminin subunit beta 3; minus strand). Cytogenetic location: 1q32.2.
Variant type: Deletion.
Coding change: c.328del on transcript NM_000228.3 (MANE Select); coding-DNA position 328, one base deleted (C; older notation c.328delC).
Protein change: p.Leu110fs; shifts the reading frame from leucine 110.
Molecular consequence: frameshift variant.
Genome position (GRCh38, 1-based): chr1:209,637,952, G deleted on the plus strand (C on the coding strand, the reverse complement: LAMB3 is on the minus strand); the first of 2 consecutive G bases (chr1:209,637,952-209,637,953); deleting either gives the same sequence. VCF-style (leftmost placement, unchanged base first): chr1-209637951-AG-A. GRCh37 (hg19) VCF-style: chr1-209811296-AG-A.
Other names: c.328del, p.Leu110fs (NM_001017402.2, NM_001127641.1); short protein forms L110fs.
Identifiers: ClinVar variation 2746180 (VCV002746180.3), dbSNP rs2464894707, ClinGen allele CA2697554891.

ClinVar aggregate classification (germline): Pathogenic (1 of 4 stars; one submission).

Submission:

Labcorp Genetics (formerly Invitae), Labcorp
Classification: Pathogenic. Last evaluated: 2023-07-24. Review status: criteria provided, single submitter. Criteria: Invitae Variant Classification Sherloc (09022015). Collection method: clinical testing. Allele origin: germline.
Comment: This variant is not present in population databases (gnomAD no frequency). This sequence change creates a premature translational stop signal (p.Leu110Trpfs*11) in the LAMB3 gene. It is expected to result in an absent or disrupted protein product. Loss-of-function variants in LAMB3 are known to be pathogenic (PMID: 11023379, 16473856). This variant has not been reported in the literature in individuals affected with LAMB3-related conditions. For these reasons, this variant has been classified as Pathogenic.

Literature cited by the submitters: PubMed 11023379; PubMed 16473856.